The following is an entry in ClinVar:

NM_000334.4(SCN4A):c.1495G>A (p.Asp499Asn)

Gene: SCN4A (sodium voltage-gated channel alpha subunit 4; minus strand). Cytogenetic location: 17q23.3.
Variant type: single nucleotide variant.
Coding change: c.1495G>A on transcript NM_000334.4 (MANE Select); coding-DNA position 1495, G replaced by A.
Protein change: p.Asp499Asn; replaces aspartic acid 499 with asparagine.
Molecular consequence: missense variant.
Genome position (GRCh38, 1-based): chr17:63,963,783, C>T on the plus strand (G>A on the coding strand, the complement: SCN4A is on the minus strand). VCF-style: chr17-63963783-C-T. GRCh37 (hg19) VCF-style: chr17-62041143-C-T.
Other names: short protein forms D499N.
Identifiers: ClinVar variation 4746994 (VCV004746994.1).

ClinVar aggregate classification (germline): Uncertain significance (1 of 4 stars; one submission).

Conditions:
Hyperkalemic periodic paralysis. Also called: Familial hyperkalemic periodic paralysis; Gamstorp disease. Identifiers: Orphanet 682, MedGen C0238357, MONDO:0008224, OMIM 170500, HP:0007215.

Submission:

Labcorp Genetics (formerly Invitae), Labcorp
Classification: Uncertain significance for Hyperkalemic periodic paralysis. Last evaluated: 2025-10-18. Review status: criteria provided, single submitter. Criteria: Invitae Variant Classification Sherloc (09022015). Collection method: clinical testing. Allele origin: germline.
Comment: This sequence change replaces aspartic acid, which is acidic and polar, with asparagine, which is neutral and polar, at codon 499 of the SCN4A protein (p.Asp499Asn). This variant is not present in population databases (gnomAD no frequency). This variant has not been reported in the literature in individuals affected with SCN4A-related conditions. Invitae Evidence Modeling of protein sequence and biophysical properties (such as structural, functional, and spatial information, amino acid conservation, physicochemical variation, residue mobility, and thermodynamic stability) indicates that this missense variant is not expected to disrupt SCN4A protein function with a negative predictive value of 95%. In summary, the available evidence is currently insufficient to determine the role of this variant in disease. Therefore, it has been classified as a Variant of Uncertain Significance.